The following is an entry in ClinVar:

NM_001165963.4(SCN1A):c.2559A>C (p.Glu853Asp)

Gene: SCN1A (sodium voltage-gated channel alpha subunit 1; minus strand). Cytogenetic location: 2q24.3.
Variant type: single nucleotide variant.
Coding change: c.2559A>C on transcript NM_001165963.4 (MANE Select); coding-DNA position 2559, A replaced by C.
Protein change: p.Glu853Asp; replaces glutamic acid 853 with aspartic acid.
Molecular consequence: missense variant. On other transcripts: non-coding transcript variant (1).
Genome position (GRCh38, 1-based): chr2:166,039,453, T>G on the plus strand (A>C on the coding strand, the complement: SCN1A is on the minus strand). VCF-style: chr2-166039453-T-G. GRCh37 (hg19) VCF-style: chr2-166895963-T-G.
Other names: c.2526A>C, p.Glu842Asp (NM_006920.6, NM_001353949.2, NM_001353950.2 and 2 more transcripts); c.2475A>C, p.Glu825Asp (NM_001165964.3, NM_001353957.2, NM_001353958.2); c.2559A>C, p.Glu853Asp (NM_001202435.3, NM_001353948.2); c.2523A>C, p.Glu841Asp (NM_001353954.2, NM_001353955.2); c.2472A>C, p.Glu824Asp (NM_001353960.2); c.117A>C, p.Glu39Asp (NM_001353961.2); short protein forms E842D, E853D, E841D, E39D, E824D, E825D.
Identifiers: ClinVar variation 566076 (VCV000566076.9), dbSNP rs764292628, ClinGen allele CA349062421.

ClinVar aggregate classification (germline): Uncertain significance (1 of 4 stars; one submission).

Conditions:
Early-infantile DEE. Also called: Ohtahara syndrome; Early infantile epileptic encephalopathy; Early infantile epileptic encephalopathy with suppression bursts. Identifiers: Orphanet 1934, MedGen C0393706, MONDO:0800491.

Allele frequency attached by ClinVar (database versions not stated): TOPMed 0.00001; gnomAD 0.00003.
gnomAD v4.1: 48 of 1,612,596 alleles (0.003%); highest among the groups gnomAD compares: Non-Finnish European, 0.0039%; no homozygotes.

Submission:

Labcorp Genetics (formerly Invitae), Labcorp
Classification: Uncertain significance for Early-infantile DEE. Last evaluated: 2024-10-31. Review status: criteria provided, single submitter. Criteria: Invitae Variant Classification Sherloc (09022015). Collection method: clinical testing. Allele origin: germline.
Comment: This sequence change replaces glutamic acid, which is acidic and polar, with aspartic acid, which is acidic and polar, at codon 853 of the SCN1A protein (p.Glu853Asp). This variant is present in population databases (no rsID available, gnomAD 0.003%). This variant has not been reported in the literature in individuals affected with SCN1A-related conditions. ClinVar contains an entry for this variant (Variation ID: 566076). Invitae Evidence Modeling of protein sequence and biophysical properties (such as structural, functional, and spatial information, amino acid conservation, physicochemical variation, residue mobility, and thermodynamic stability) indicates that this missense variant is not expected to disrupt SCN1A protein function with a negative predictive value of 95%. In summary, the available evidence is currently insufficient to determine the role of this variant in disease. Therefore, it has been classified as a Variant of Uncertain Significance.